The following is an entry in ClinVar:

ClinVar aggregate classification (germline): Uncertain significance. Review status: criteria provided, multiple submitters, no conflicts (2 of 4 stars). 2 submissions from 2 submitters: Uncertain significance (2). Last evaluated 2024-04-25.

Conditions:
Upshaw-Schulman syndrome (TTP). Also called: THROMBOTIC THROMBOCYTOPENIC PURPURA, HEREDITARY; Congenital thrombotic thrombocytopenic purpura. Identifiers: Orphanet 93583, MedGen C1268935, MONDO:0010122, OMIM 274150.

Allele frequency attached by ClinVar (database versions not stated): gnomAD exomes below 0.00001.

Submissions (2):

Fulgent Genetics
Classification: Uncertain significance for Upshaw-Schulman syndrome. Last evaluated: 2024-04-25. Review status: criteria provided, single submitter. Criteria: ACMG Guidelines, 2015. Collection method: clinical testing. Allele origin: germline.

Labcorp Genetics (formerly Invitae), Labcorp
Classification: Uncertain significance. Last evaluated: 2022-03-19. Review status: criteria provided, single submitter. Criteria: Invitae Variant Classification Sherloc (09022015). Collection method: clinical testing. Allele origin: germline.
Comment: In summary, the available evidence is currently insufficient to determine the role of this variant in disease. Therefore, it has been classified as a Variant of Uncertain Significance. Algorithms developed to predict the effect of missense changes on protein structure and function output the following: SIFT: "Tolerated"; PolyPhen-2: "Benign"; Align-GVGD: "Class C0". The phenylalanine amino acid residue is found in multiple mammalian species, which suggests that this missense change does not adversely affect protein function. This variant has not been reported in the literature in individuals affected with ADAMTS13-related conditions. This variant is not present in population databases (gnomAD no frequency). This sequence change replaces leucine, which is neutral and non-polar, with phenylalanine, which is neutral and non-polar, at codon 1042 of the ADAMTS13 protein (p.Leu1042Phe).

NM_139027.6(ADAMTS13):c.3124C>T (p.Leu1042Phe)

Gene: ADAMTS13 (ADAM metallopeptidase with thrombospondin type 1 motif 13; plus strand). Cytogenetic location: 9q34.2.
Variant type: single nucleotide variant.
Coding change: c.3124C>T on transcript NM_139027.6 (MANE Select); coding-DNA position 3124, C replaced by T.
Protein change: p.Leu1042Phe; replaces leucine 1042 with phenylalanine.
Molecular consequence: missense variant. On other transcripts: non-coding transcript variant (1).
Genome position (GRCh38, 1-based): chr9:133,454,494, C>T. VCF-style: chr9-133454494-C-T. GRCh37 (hg19) VCF-style: chr9-136319616-C-T.
Other names: c.3124C>T, p.Leu1042Phe (NM_139025.5); c.3031C>T, p.Leu1011Phe (NM_139026.6); short protein forms L1011F, L1042F.
Identifiers: ClinVar variation 1933799 (VCV001933799.6), dbSNP rs1564442755, ClinGen allele CA375410313.